The following is an entry in ClinVar:

ClinVar aggregate classification (germline): Conflicting classifications of pathogenicity. Review status: criteria provided, conflicting classifications (1 of 4 stars). 2 submissions from 2 submitters: Likely pathogenic (1); Uncertain significance (1). Last evaluated 2022-07-26.

Conditions:
Neuronal ceroid lipofuscinosis 8 (CLN8). Also called: CLN8-Related Neuronal Ceroid-Lipofuscinosis. Identifiers: Orphanet 168491, Orphanet 228354, Orphanet 79264, MedGen C1838570, MONDO:0010830, OMIM 600143.

Submissions (2):

Revvity Omics, Revvity
Classification: Likely pathogenic. Last evaluated: 2022-07-26. Review status: criteria provided, single submitter. Criteria: ACMG Guidelines, 2015. Collection method: clinical testing. Allele origin: germline.

Broad Center for Mendelian Genomics, Broad Institute of MIT and Harvard
Classification: Uncertain significance for Neuronal ceroid lipofuscinosis 8. Last evaluated: 2022-05-04. Review status: criteria provided, single submitter. Criteria: ACMG Guidelines, 2015. Collection method: curation. Allele origin: germline. Inheritance: Autosomal recessive inheritance.
Comment: The variant has not been previously reported in individuals with neuronal ceroid lipofuscinosis 8 and was absent from large population studies. This variant is predicted to cause a frameshift, which alters the protein’s amino acid sequence beginning at position 213 and leads to a premature termination codon 19 amino acids downstream. This termination codon occurs within the last exon and is more likely to escape nonsense mediated decay (NMD) and result in a truncated protein. Loss of function of the CLN8 gene is a moderately established disease mechanism in autosomal recessive neuronal ceroid lipofuscinosis 8. In summary, while there is some suspicion for a pathogenic role, the clinical significance of this variant is uncertain. ACMG/AMP Criteria applied: PM2, PVS1_moderate, PM3_supporting (Richards 2015).

NM_018941.4(CLN8):c.637del (p.Trp213fs)

Gene: CLN8 (CLN8 transmembrane ER and ERGIC protein; plus strand). Cytogenetic location: 8p23.3.
Variant type: Deletion.
Coding change: c.637del on transcript NM_018941.4 (MANE Select); coding-DNA position 637, one base deleted (T; older notation c.637delT).
Protein change: p.Trp213fs; shifts the reading frame from tryptophan 213.
Molecular consequence: frameshift variant.
Genome position (GRCh38, 1-based): chr8:1,780,343, T deleted. VCF-style (leftmost placement, unchanged base first): chr8-1780342-GT-G. GRCh37 (hg19) VCF-style: chr8-1728508-GT-G.
Other names: NM_018941.4:c.637del; short protein forms W213fs.
Identifiers: ClinVar variation 1679852 (VCV001679852.4), dbSNP rs2129015232, ClinGen allele CA923726077.